The following is an entry in ClinVar:

NM_031935.3(HMCN1):c.6308C>T (p.Pro2103Leu)

Gene: HMCN1 (hemicentin 1; plus strand). Cytogenetic location: 1q31.1.
Variant type: single nucleotide variant.
Coding change: c.6308C>T on transcript NM_031935.3 (MANE Select); coding-DNA position 6308, C replaced by T.
Protein change: p.Pro2103Leu; replaces proline 2103 with leucine.
Molecular consequence: missense variant.
Genome position (GRCh38, 1-based): chr1:186,045,691, C>T. VCF-style: chr1-186045691-C-T. GRCh37 (hg19) VCF-style: chr1-186014823-C-T.
Other names: short protein forms P2103L.
Identifiers: ClinVar variation 1441260 (VCV001441260.6), dbSNP rs768441829, ClinGen allele CA1292540.

ClinVar aggregate classification (germline): Uncertain significance (1 of 4 stars; one submission).

Allele frequency attached by ClinVar (database versions not stated): TOPMed 0.00003; gnomAD 0.00006; ExAC 0.00007; gnomAD exomes 0.00008 and 0.00011.
gnomAD v4.1: 167 of 1,612,570 alleles (0.01%); highest among the groups gnomAD compares: Non-Finnish European, 0.011%; no homozygotes.

Submission:

Labcorp Genetics (formerly Invitae), Labcorp
Classification: Uncertain significance. Last evaluated: 2026-01-24. Review status: criteria provided, single submitter. Criteria: Invitae Variant Classification Sherloc (09022015). Collection method: clinical testing. Allele origin: germline.
Comment: This sequence change replaces proline, which is neutral and non-polar, with leucine, which is neutral and non-polar, at codon 2103 of the HMCN1 protein (p.Pro2103Leu). This variant is present in population databases (rs768441829, gnomAD 0.02%). This variant has not been reported in the literature in individuals affected with HMCN1-related conditions. ClinVar contains an entry for this variant (Variation ID: 1441260). An algorithm developed to predict the effect of missense changes on protein structure and function (PolyPhen-2) suggests that this variant is likely to be tolerated. In summary, the available evidence is currently insufficient to determine the role of this variant in disease. Therefore, it has been classified as a Variant of Uncertain Significance.